The following is an entry in ClinVar:

NM_000051.4(ATM):c.1218T>C (p.Asp406=)

Gene: ATM (ATM serine/threonine kinase; plus strand). Cytogenetic location: 11q22.3.
Variant type: single nucleotide variant.
Coding change: c.1218T>C on transcript NM_000051.4 (MANE Select); coding-DNA position 1218, T replaced by C.
Protein change: p.Asp406=; no amino-acid change (aspartic acid 406 retained).
Molecular consequence: synonymous variant.
Genome position (GRCh38, 1-based): chr11:108,249,085, T>C. VCF-style: chr11-108249085-T-C. GRCh37 (hg19) VCF-style: chr11-108119812-T-C.
Other names: c.1218T>C, p.Asp406= (NM_001351834.2).
Identifiers: ClinVar variation 1142172 (VCV001142172.10), dbSNP rs2135295378, ClinGen allele CA476671784.

ClinVar aggregate classification (germline): Benign/Likely benign. Review status: criteria provided, multiple submitters, no conflicts (2 of 4 stars). 2 submissions from 2 submitters: Benign (1); Likely benign (1). Last evaluated 2024-04-25.

Conditions:
Ataxia-telangiectasia syndrome (AT). Also called: LOUIS-BAR SYNDROME; Ataxia telangiectasia (A-T); Cerebello-oculocutaneous telangiectasia; Immunodeficiency with ataxia telangiectasia; Ataxia-telangiectasia; Ataxia-telangiectasia, complementation group D. Identifiers: Orphanet 100, MedGen C0004135, MONDO:0008840, OMIM 208900.
Familial cancer of breast. Also called: Hereditary breast cancer; BREAST CANCER, FAMILIAL; hereditary breast carcinoma. Identifiers: Orphanet 227535, MedGen C0346153, MONDO:0016419, OMIM 114480. Disease mechanism: loss of function.

Allele frequency attached by ClinVar (database versions not stated): gnomAD exomes below 0.00001.
gnomAD v4.1: 1 of 1,613,956 alleles (0.000062%); highest among the groups gnomAD compares: Non-Finnish European, 0.000085%; no homozygotes.

Submissions (2):

Myriad Genetics, Inc.
Classification: Benign for Familial cancer of breast. Last evaluated: 2024-04-25. Review status: criteria provided, single submitter. Criteria: Myriad Autosomal Dominant, Autosomal Recessive and X-Linked Classification Criteria (2023). Collection method: clinical testing. Allele origin: unknown.
Comment: This variant is considered benign. This variant is a silent/synonymous amino acid change and it is not expected to impact splicing.

Labcorp Genetics (formerly Invitae), Labcorp
Classification: Likely benign for Ataxia-telangiectasia syndrome. Last evaluated: 2022-09-01. Review status: criteria provided, single submitter. Criteria: Invitae Variant Classification Sherloc (09022015). Collection method: clinical testing. Allele origin: germline.